The following is an entry in ClinVar:

ClinVar aggregate classification (germline): Uncertain significance (1 of 4 stars; one submission).

Allele frequency attached by ClinVar (database versions not stated): TOPMed below 0.00001; ExAC 0.00002; gnomAD 0.00003.

Submission:

Labcorp Genetics (formerly Invitae), Labcorp
Classification: Uncertain significance. Last evaluated: 2022-08-11. Review status: criteria provided, single submitter. Criteria: Invitae Variant Classification Sherloc (09022015). Collection method: clinical testing. Allele origin: germline.
Comment: This variant has not been reported in the literature in individuals affected with ROR2-related conditions. This variant is present in population databases (rs768565551, gnomAD 0.01%). This sequence change replaces valine, which is neutral and non-polar, with methionine, which is neutral and non-polar, at codon 136 of the ROR2 protein (p.Val136Met). Advanced modeling of protein sequence and biophysical properties (such as structural, functional, and spatial information, amino acid conservation, physicochemical variation, residue mobility, and thermodynamic stability) performed at Invitae indicates that this missense variant is not expected to disrupt ROR2 protein function. In summary, the available evidence is currently insufficient to determine the role of this variant in disease. Therefore, it has been classified as a Variant of Uncertain Significance.

NM_004560.4(ROR2):c.406G>A (p.Val136Met)

Gene: ROR2 (receptor tyrosine kinase like orphan receptor 2; minus strand). Cytogenetic location: 9q22.31.
Variant type: single nucleotide variant.
Coding change: c.406G>A on transcript NM_004560.4 (MANE Select); coding-DNA position 406, G replaced by A.
Protein change: p.Val136Met; replaces valine 136 with methionine.
Molecular consequence: missense variant.
Genome position (GRCh38, 1-based): chr9:91,757,329, C>T on the plus strand (G>A on the coding strand, the complement: ROR2 is on the minus strand). VCF-style: chr9-91757329-C-T. GRCh37 (hg19) VCF-style: chr9-94519611-C-T.
Other names: c.406G>A, p.Val136Met (NM_001318204.2); short protein forms V136M.
Identifiers: ClinVar variation 1915360 (VCV001915360.5), dbSNP rs768565551, ClinGen allele CA5121045.